The following is an entry in ClinVar:

ClinVar aggregate classification (germline): Likely benign (1 of 4 stars; one submission).

gnomAD v4.1: 116 of 1,556,306 alleles (0.0075%); highest among the groups gnomAD compares: Middle Eastern, 0.017%; no homozygotes.

Submission:

Mayo Clinic Laboratories, Mayo Clinic
Classification: Likely benign. Last evaluated: 2025-05-06. Review status: criteria provided, single submitter. Criteria: ACMG Guidelines, 2015. Collection method: clinical testing. Allele origin: germline. Observed: 1 variant allele.
Comment: BS1, BP4

NM_001003800.2(BICD2):c.-5C>T

Gene: BICD2 (BICD cargo adaptor 2; minus strand). Cytogenetic location: 9q22.31.
Variant type: single nucleotide variant.
Coding change: c.-5C>T on transcript NM_001003800.2 (MANE Select); 5 bases upstream of the start codon, C replaced by T.
Molecular consequence: 5 prime UTR variant.
Genome position (GRCh38, 1-based): chr9:92,764,749, G>A on the plus strand (C>T on the coding strand, the complement: BICD2 is on the minus strand). VCF-style: chr9-92764749-G-A. GRCh37 (hg19) VCF-style: chr9-95527031-G-A.
Other names: c.-5C>T (NM_015250.4).
Identifiers: ClinVar variation 4683404 (VCV004683404.1).